The following is an entry in ClinVar:

ClinVar aggregate classification (germline): Conflicting classifications of pathogenicity. Review status: criteria provided, conflicting classifications (1 of 4 stars). 3 submissions from 3 submitters: Uncertain significance (1); Likely benign (2). Last evaluated 2025-08-09.

Conditions:
Kabuki syndrome 1 (KABUK1). Also called: KMT2D-Related Kabuki Syndrome. Identifiers: Orphanet 2322, MedGen CN030661, MONDO:0007843, OMIM 147920.
KMT2D-related disorder. Also called: KMT2D-Related Disorders.
Kabuki syndrome. Also called: Kabuki make-up syndrome; NIIKAWA-KUROKI SYNDROME. Identifiers: Orphanet 2322, MedGen C0796004, MONDO:0016512.

Allele frequency attached by ClinVar (database versions not stated): gnomAD 0.00001; gnomAD exomes 0.00001.

Submissions (3):

Labcorp Genetics (formerly Invitae), Labcorp
Classification: Likely benign for Kabuki syndrome. Last evaluated: 2025-08-09. Review status: criteria provided, single submitter. Criteria: Invitae Variant Classification Sherloc (09022015). Collection method: clinical testing. Allele origin: germline.

PreventionGenetics, part of Exact Sciences
Classification: Likely benign for KMT2D-related condition. Last evaluated: 2025-07-29. Review status: criteria provided, single submitter. Criteria: ACMG Guidelines, 2015. Collection method: clinical testing. Allele origin: germline.
Comment: This variant is classified as likely benign based on ACMG/AMP sequence variant interpretation guidelines (Richards et al. 2015 PMID: 25741868, with internal and published modifications).

Baylor Genetics
Classification: Uncertain significance for Kabuki syndrome 1. Last evaluated: 2019-03-22. Review status: criteria provided, single submitter. Criteria: ACMG Guidelines, 2015. Collection method: clinical testing. Allele origin: maternal. Affected: yes.
Comment: This variant was determined to be of uncertain significance according to ACMG Guidelines, 2015 [PMID:25741868].

NM_003482.4(KMT2D):c.14075+8C>T

Gene: KMT2D (lysine methyltransferase 2D; minus strand). Cytogenetic location: 12q13.12.
Variant type: single nucleotide variant.
Coding change: c.14075+8C>T on transcript NM_003482.4 (MANE Select); 8 bases into the intron after coding-DNA position 14075, C replaced by T.
Molecular consequence: intron variant.
Genome position (GRCh38, 1-based): chr12:49,029,393, G>A on the plus strand (C>T on the coding strand, the complement: KMT2D is on the minus strand). VCF-style: chr12-49029393-G-A. GRCh37 (hg19) VCF-style: chr12-49423176-G-A.
Identifiers: ClinVar variation 1030670 (VCV001030670.5), dbSNP rs962057732, ClinGen allele CA236636792.